The following is an entry in ClinVar:

NM_002439.5(MSH3):c.2750A>T (p.Gln917Leu)

Gene: MSH3 (mutS homolog 3; plus strand). Cytogenetic location: 5q14.1.
Variant type: single nucleotide variant.
Coding change: c.2750A>T on transcript NM_002439.5 (MANE Select); coding-DNA position 2750, A replaced by T.
Protein change: p.Gln917Leu; replaces glutamine 917 with leucine.
Molecular consequence: missense variant.
Genome position (GRCh38, 1-based): chr5:80,813,678, A>T. VCF-style: chr5-80813678-A-T. GRCh37 (hg19) VCF-style: chr5-80109497-A-T.
Other names: short protein forms Q917L.
Identifiers: ClinVar variation 3913612 (VCV003913612.1).

ClinVar aggregate classification (germline): Uncertain significance (1 of 4 stars; one submission).

Conditions:
Hereditary cancer-predisposing syndrome. Also called: Hereditary Cancer Syndrome; Hereditary neoplastic syndrome; Neoplastic Syndromes, Hereditary; Tumor predisposition. Identifiers: Orphanet 140162, MedGen C0027672, MeSH D009386, MONDO:0015356.

Submission:

Ambry Genetics
Classification: Uncertain significance for Hereditary cancer-predisposing syndrome. Last evaluated: 2025-03-31. Review status: criteria provided, single submitter. Criteria: Ambry Variant Classification Scheme 2023. Collection method: clinical testing. Allele origin: germline.
Comment: The p.Q917L variant (also known as c.2750A>T), located in coding exon 20 of the MSH3 gene, results from an A to T substitution at nucleotide position 2750. The glutamine at codon 917 is replaced by leucine, an amino acid with dissimilar properties. This amino acid position is conserved. In addition, this alteration is predicted to be deleterious by in silico analysis. Based on the available evidence, the clinical significance of this variant remains unclear.